The following is an entry in ClinVar:

NM_024426.6(WT1):c.451T>A (p.Trp151Arg)

Genes: WT1 (WT1 transcription factor; minus strand), LOC107982234 (WT1/WT1-AS bi-directional promoter region; plus strand). Cytogenetic location: 11p13.
Variant type: single nucleotide variant.
Coding change: c.451T>A on transcript NM_024426.6 (MANE Select); coding-DNA position 451, T replaced by A.
Protein change: p.Trp151Arg; replaces tryptophan 151 with arginine.
Molecular consequence: missense variant. On other transcripts: non-coding transcript variant (1).
Genome position (GRCh38, 1-based): chr11:32,434,910, A>T on the plus strand (T>A on the coding strand, the complement: WT1 is on the minus strand). VCF-style: chr11-32434910-A-T. GRCh37 (hg19) VCF-style: chr11-32456456-A-T.
Other names: c.451T>A, p.Trp151Arg (NM_000378.6, NM_024424.5); short protein forms W151R.
Identifiers: ClinVar variation 967346 (VCV000967346.10), dbSNP rs1853446972, ClinGen allele CA379965055.

ClinVar aggregate classification (germline): Uncertain significance (1 of 4 stars; one submission).

Conditions:
Drash syndrome (DDS). Also called: WILMS TUMOR AND PSEUDO- OR TRUE HERMAPHRODITISM; NEPHROPATHY, WILMS TUMOR, AND GENITAL ANOMALIES. Identifiers: Orphanet 220, MedGen C0950121, MONDO:0008682, OMIM 194080.
Frasier syndrome. Identifiers: Orphanet 347, MedGen C0950122, MeSH D052159, MONDO:0007635, OMIM 136680.
Wilms tumor 1 (WT1). Also called: Wilms tumor, somatic. Identifiers: Orphanet 654, MedGen CN033288, MONDO:0008679, OMIM 194070.
11p partial monosomy syndrome (WAGR). Also called: WAGR syndrome; CHROMOSOME 11p13 DELETION SYNDROME; WAGR Complex; WAGR Spectrum Disorder. Identifiers: Orphanet 893, MedGen C0206115, MONDO:0008681, OMIM 194072.

Submission:

Labcorp Genetics (formerly Invitae), Labcorp
Classification: Uncertain significance for Wilms tumor 1; Drash syndrome; 11p partial monosomy syndrome; Frasier syndrome. Last evaluated: 2022-06-03. Review status: criteria provided, single submitter. Criteria: Invitae Variant Classification Sherloc (09022015). Collection method: clinical testing. Allele origin: germline.
Comment: In summary, the available evidence is currently insufficient to determine the role of this variant in disease. Therefore, it has been classified as a Variant of Uncertain Significance. Algorithms developed to predict the effect of missense changes on protein structure and function (SIFT, PolyPhen-2, Align-GVGD) all suggest that this variant is likely to be disruptive. ClinVar contains an entry for this variant (Variation ID: 967346). This variant has not been reported in the literature in individuals affected with WT1-related conditions. This variant is not present in population databases (gnomAD no frequency). This sequence change replaces tryptophan, which is neutral and slightly polar, with arginine, which is basic and polar, at codon 146 of the WT1 protein (p.Trp146Arg).